The following is an entry in ClinVar:

ClinVar aggregate classification (germline): Uncertain significance (1 of 4 stars; one submission).

Submission:

GeneDx
Classification: Uncertain significance. Last evaluated: 2023-03-12. Review status: criteria provided, single submitter. Criteria: GeneDx Variant Classification Process June 2021. Collection method: clinical testing. Allele origin: germline. Affected: yes.
Comment: Not observed at significant frequency in large population cohorts (gnomAD); In silico analysis supports that this missense variant has a deleterious effect on protein structure/function; Has not been previously published as pathogenic or benign to our knowledge

NM_000884.3(IMPDH2):c.242C>A (p.Ala81Glu)

Gene: IMPDH2 (inosine monophosphate dehydrogenase 2; minus strand). Cytogenetic location: 3p21.31.
Variant type: single nucleotide variant.
Coding change: c.242C>A on transcript NM_000884.3 (MANE Select); coding-DNA position 242, C replaced by A.
Protein change: p.Ala81Glu; replaces alanine 81 with glutamic acid.
Molecular consequence: missense variant.
Genome position (GRCh38, 1-based): chr3:49,028,438, G>T on the plus strand (C>A on the coding strand, the complement: IMPDH2 is on the minus strand). VCF-style: chr3-49028438-G-T. GRCh37 (hg19) VCF-style: chr3-49065871-G-T.
Other names: c.242C>A, p.Ala81Glu (NM_001410759.1, NM_001410760.1, NM_001410761.1); short protein forms A81E.
Identifiers: ClinVar variation 2581885 (VCV002581885.1), dbSNP rs1160229245, ClinGen allele CA352746458.